The following is an entry in ClinVar:

ClinVar aggregate classification (germline): Uncertain significance. Review status: criteria provided, multiple submitters, no conflicts (2 of 4 stars). 2 submissions from 2 submitters: Uncertain significance (2). Last evaluated 2023-08-01.

Conditions:
Inborn genetic diseases. Identifiers: MedGen C0950123, MeSH D030342.

Allele frequency attached by ClinVar (database versions not stated): gnomAD 0.00001.
gnomAD v4.1: 7 of 1,614,036 alleles (0.00043%); highest among the groups gnomAD compares: South Asian, 0.0022%; no homozygotes.

Submissions (2):

CeGaT Center for Human Genetics Tuebingen
Classification: Uncertain significance. Last evaluated: 2023-08-01. Review status: criteria provided, single submitter. Criteria: CeGaT Center For Human Genetics Tuebingen Variant Classification Criteria Version 2. Collection method: clinical testing. Allele origin: germline. Affected: yes. Observed: 1 variant allele.
Comment: CEP120: PM2, BP4

Ambry Genetics
Classification: Uncertain significance for Inborn genetic diseases. Last evaluated: 2023-02-06. Review status: criteria provided, single submitter. Criteria: Ambry Variant Classification Scheme 2023. Collection method: clinical testing. Allele origin: germline.

NM_001375405.1(CEP120):c.724A>C (p.Asn242His)

Gene: CEP120 (centrosomal protein 120; minus strand). Cytogenetic location: 5q23.2.
Variant type: single nucleotide variant.
Coding change: c.724A>C on transcript NM_001375405.1 (MANE Select); coding-DNA position 724, A replaced by C.
Protein change: p.Asn242His; replaces asparagine 242 with histidine.
Molecular consequence: missense variant. On other transcripts: non-coding transcript variant (1).
Genome position (GRCh38, 1-based): chr5:123,393,386, T>G on the plus strand (A>C on the coding strand, the complement: CEP120 is on the minus strand). VCF-style: chr5-123393386-T-G. GRCh37 (hg19) VCF-style: chr5-122729080-T-G.
Other names: c.646A>C, p.Asn216His (NM_001166226.2); c.724A>C, p.Asn242His (NM_001375406.1, NM_001375407.1, NM_153223.4); c.151A>C, p.Asn51His (NM_001375408.1, NM_001375409.1); short protein forms N242H, N51H, N216H.
Identifiers: ClinVar variation 2465230 (VCV002465230.26), dbSNP rs765267157, ClinGen allele CA3387152.
Genomic context (GRCh38, chr5:123,393,386, plus strand): 5'-AAACACGAAGAATTTCTACACTGCTACGGATGCGAACTGATGCTCTCTCTGGCTCAAAGT[T>G]TGGGTTGATTAAATCATTGAAGGGTTCATTTGTAACATCATTTCCCAGTAAAGAGTAGTA-3'
Protein context (NP_001362334.1, residues 232-252): NEPFNDLINP[Asn242His]FEPERASVRI